The following is an entry in ClinVar:

NM_005189.3(CBX2):c.1331C>G (p.Thr444Arg)

Gene: CBX2 (chromobox 2; plus strand). Cytogenetic location: 17q25.3.
Variant type: single nucleotide variant.
Coding change: c.1331C>G on transcript NM_005189.3 (MANE Select); coding-DNA position 1331, C replaced by G.
Protein change: p.Thr444Arg; replaces threonine 444 with arginine.
Molecular consequence: missense variant.
Genome position (GRCh38, 1-based): chr17:79,784,774, C>G. VCF-style: chr17-79784774-C-G. GRCh37 (hg19) VCF-style: chr17-77758573-C-G.
Other names: short protein forms T444R.
Identifiers: ClinVar variation 3617221 (VCV003617221.2).

ClinVar aggregate classification (germline): Uncertain significance (1 of 4 stars; one submission).

Submission:

Labcorp Genetics (formerly Invitae), Labcorp
Classification: Uncertain significance. Last evaluated: 2024-12-16. Review status: criteria provided, single submitter. Criteria: Invitae Variant Classification Sherloc (09022015). Collection method: clinical testing. Allele origin: germline.
Comment: This sequence change replaces threonine, which is neutral and polar, with arginine, which is basic and polar, at codon 444 of the CBX2 protein (p.Thr444Arg). This variant is present in population databases (rs781978951, gnomAD 0.004%). This variant has not been reported in the literature in individuals affected with CBX2-related conditions. Invitae Evidence Modeling of protein sequence and biophysical properties (such as structural, functional, and spatial information, amino acid conservation, physicochemical variation, residue mobility, and thermodynamic stability) indicates that this missense variant is not expected to disrupt CBX2 protein function with a negative predictive value of 80%. In summary, the available evidence is currently insufficient to determine the role of this variant in disease. Therefore, it has been classified as a Variant of Uncertain Significance.